The following is an entry in ClinVar:

ClinVar aggregate classification (germline): Likely benign. Review status: criteria provided, multiple submitters, no conflicts (2 of 4 stars). 6 submissions from 6 submitters: Likely benign (4). 2 of the submissions do not count toward it. Last evaluated 2026-04-01.

Conditions:
Polyglandular autoimmune syndrome, type 1 (APS1). Also called: Whitaker syndrome; Autoimmune polyendocrinopathy syndrome, type I; AUTOIMMUNE POLYENDOCRINE SYNDROME, TYPE I, WITH OR WITHOUT REVERSIBLE METAPHYSEAL DYSPLASIA; APS I; Autoimmune polyendocrine syndrome type 1; HYPOADRENOCORTICISM WITH HYPOPARATHYROIDISM AND SUPERFICIAL MONILIASIS. Identifiers: Orphanet 3453, MedGen C0085859, MONDO:0009411, OMIM 240300.
AIRE-related disorder. Also called: AIRE-related condition.

Allele frequency attached by ClinVar (database versions not stated): TOPMed 0.00002; gnomAD 0.00004 and 0.00005; gnomAD exomes 0.00006 and 0.00011; ExAC 0.00010; 1000 Genomes Project 30x 0.00016; 1000 Genomes Project 0.00020.
gnomAD v4.1: 97 of 1,612,816 alleles (0.006%); highest among the groups gnomAD compares: South Asian, 0.054%; no homozygotes.

Submissions (6):

CeGaT Center for Human Genetics Tuebingen
Classification: Likely benign. Last evaluated: 2026-04-01. Review status: criteria provided, single submitter. Criteria: CeGaT Center For Human Genetics Tuebingen Variant Classification Criteria Version 2. Collection method: clinical testing. Allele origin: germline. Affected: yes. Observed: 1 variant allele.
Comment: AIRE: BP4, BP7

Labcorp Genetics (formerly Invitae), Labcorp
Classification: Likely benign for Polyglandular autoimmune syndrome, type 1. Last evaluated: 2026-01-14. Review status: criteria provided, single submitter. Criteria: Invitae Variant Classification Sherloc (09022015). Collection method: clinical testing. Allele origin: germline.

Blueprint Genetics
Classification: Likely benign. Last evaluated: 2023-10-13. Review status: criteria provided, single submitter. Criteria: ACMG Guidelines, 2015. Collection method: clinical testing. Allele origin: germline.

Fulgent Genetics
Classification: Likely benign for Polyglandular autoimmune syndrome, type 1. Last evaluated: 2021-07-02. Review status: criteria provided, single submitter. Criteria: ACMG Guidelines, 2015. Collection method: clinical testing. Allele origin: unknown.

PreventionGenetics, part of Exact Sciences
Classification: Likely benign for AIRE-related condition. Last evaluated: 2024-09-19. Review status: no assertion criteria provided. Collection method: clinical testing. Allele origin: germline. Not counted in ClinVar's aggregate classification.
Comment: This variant is classified as likely benign based on ACMG/AMP sequence variant interpretation guidelines (Richards et al. 2015 PMID: 25741868, with internal and published modifications).

Natera, Inc.
Classification: Uncertain significance for Polyglandular autoimmune syndrome type 1. Last evaluated: 2020-01-24. Review status: no assertion criteria provided. Collection method: clinical testing. Allele origin: germline. Not counted in ClinVar's aggregate classification.

NM_000383.4(AIRE):c.351C>T (p.Ala117=)

Gene: AIRE (autoimmune regulator; plus strand). Cytogenetic location: 21q22.3.
Variant type: single nucleotide variant.
Coding change: c.351C>T on transcript NM_000383.4 (MANE Select); coding-DNA position 351, C replaced by T.
Protein change: p.Ala117=; no amino-acid change (alanine 117 retained).
Molecular consequence: synonymous variant.
Genome position (GRCh38, 1-based): chr21:44,287,021, C>T. VCF-style: chr21-44287021-C-T. GRCh37 (hg19) VCF-style: chr21-45706904-C-T.
Identifiers: ClinVar variation 762633 (VCV000762633.17), dbSNP rs201929488, ClinGen allele CA10051539.